The following is an entry in ClinVar:

ClinVar aggregate classification (germline): Uncertain significance (1 of 4 stars; one submission).

Conditions:
Primary familial hypertrophic cardiomyopathy (HCM). Identifiers: Orphanet 99739, MedGen C0949658, MeSH D024741, MONDO:0024573. Inheritance: Various modes of inheritance.
Dilated cardiomyopathy 1AA (CMD1AA). Also called: CARDIOMYOPATHY, DILATED, 1AA, WITH OR WITHOUT LEFT VENTRICULAR NONCOMPACTION; CARDIOMYOPATHY, FAMILIAL HYPERTROPHIC, 23, WITH OR WITHOUT LEFT VENTRICULAR NONCOMPACTION; Cardiomyopathy, dilated, 1AA, with or without LVNC. Identifiers: Orphanet 154, MedGen C2677338, MONDO:0012808, OMIM 612158.

Submission:

Labcorp Genetics (formerly Invitae), Labcorp
Classification: Uncertain significance for Primary familial hypertrophic cardiomyopathy; Dilated cardiomyopathy 1AA. Last evaluated: 2023-08-07. Review status: criteria provided, single submitter. Criteria: Invitae Variant Classification Sherloc (09022015). Collection method: clinical testing. Allele origin: germline.
Comment: In summary, the available evidence is currently insufficient to determine the role of this variant in disease. Therefore, it has been classified as a Variant of Uncertain Significance. Advanced modeling of protein sequence and biophysical properties (such as structural, functional, and spatial information, amino acid conservation, physicochemical variation, residue mobility, and thermodynamic stability) performed at Invitae indicates that this missense variant is expected to disrupt ACTN2 protein function. This variant has not been reported in the literature in individuals affected with ACTN2-related conditions. This variant is not present in population databases (gnomAD no frequency). This sequence change replaces serine, which is neutral and polar, with arginine, which is basic and polar, at codon 663 of the ACTN2 protein (p.Ser663Arg).

NM_001103.4(ACTN2):c.1989C>G (p.Ser663Arg)

Gene: ACTN2 (actinin alpha 2; plus strand). Cytogenetic location: 1q43.
Variant type: single nucleotide variant.
Coding change: c.1989C>G on transcript NM_001103.4 (MANE Select); coding-DNA position 1989, C replaced by G.
Protein change: p.Ser663Arg; replaces serine 663 with arginine.
Molecular consequence: missense variant. On other transcripts: non-coding transcript variant (1).
Genome position (GRCh38, 1-based): chr1:236,755,033, C>G. VCF-style: chr1-236755033-C-G. GRCh37 (hg19) VCF-style: chr1-236918333-C-G.
Other names: c.1989C>G, p.Ser663Arg (NM_001278343.2); c.1365C>G, p.Ser455Arg (NM_001278344.2); c.1239C>G, p.Ser413Arg (NM_001412150.1); short protein forms S663R, S413R, S455R.
Identifiers: ClinVar variation 2950752 (VCV002950752.3), dbSNP rs2527646893, ClinGen allele CA345387413.
Genomic context (GRCh38, chr1:236,755,033, plus strand): 5'-CACTTCACTCTGCTTCTCTCTCTGCTTGCTCACTCGCCCCCCTCAGGAGATTGCCCGGAG[C>G]TCCATCCAGATCACAGGAGCCCTGGAAGACCAGATGAACCAGCTGAAGCAGTATGAGCAC-3'
Protein context (NP_001094.1, residues 653-673): IQNKMEEIAR[Ser663Arg]SIQITGALED